The following is an entry in ClinVar:

ClinVar aggregate classification (germline): Uncertain significance (1 of 4 stars; one submission).

Conditions:
Fanconi anemia (FA). Also called: Fanconi's anemia. Identifiers: Orphanet 84, MedGen C0015625, MeSH D005199, MONDO:0019391.

Submission:

Labcorp Genetics (formerly Invitae), Labcorp
Classification: Uncertain significance for Fanconi anemia. Last evaluated: 2022-02-28. Review status: criteria provided, single submitter. Criteria: Invitae Variant Classification Sherloc (09022015). Collection method: clinical testing. Allele origin: germline.
Comment: This variant has not been reported in the literature in individuals affected with SLX4-related conditions. In summary, the available evidence is currently insufficient to determine the role of this variant in disease. Therefore, it has been classified as a Variant of Uncertain Significance. Algorithms developed to predict the effect of missense changes on protein structure and function (SIFT, PolyPhen-2, Align-GVGD) all suggest that this variant is likely to be tolerated. This variant is not present in population databases (gnomAD no frequency). This sequence change replaces glycine, which is neutral and non-polar, with arginine, which is basic and polar, at codon 1053 of the SLX4 protein (p.Gly1053Arg).

NM_032444.4(SLX4):c.3157G>A (p.Gly1053Arg)

Gene: SLX4 (SLX4 structure-specific endonuclease subunit; minus strand). Cytogenetic location: 16p13.3.
Variant type: single nucleotide variant.
Coding change: c.3157G>A on transcript NM_032444.4 (MANE Select); coding-DNA position 3157, G replaced by A.
Protein change: p.Gly1053Arg; replaces glycine 1053 with arginine.
Molecular consequence: missense variant.
Genome position (GRCh38, 1-based): chr16:3,590,481, C>T on the plus strand (G>A on the coding strand, the complement: SLX4 is on the minus strand). VCF-style: chr16-3590481-C-T. GRCh37 (hg19) VCF-style: chr16-3640482-C-T.
Other names: short protein forms G1053R.
Identifiers: ClinVar variation 2104278 (VCV002104278.4), dbSNP rs2548213269, ClinGen allele CA394521758.
Genomic context (GRCh38, chr16:3,590,481, plus strand): 5'-AGGTTGGGGAGCCCACCTGGGAAGTTCCGCCACGGGACCGGGGTGTTGACAGGGACGACC[C>T]ACTTGTGTGATGAGACCCGCGGGGACTCCCGCCCTGGGGAGGCCCCAATAGGAAGCGGCA-3'
Protein context (NP_115820.2, residues 1043-1063): GSPRGSHHTS[Gly1053Arg]SSLSTPRSRG